The following is an entry in ClinVar:

ClinVar aggregate classification (germline): Uncertain significance. Review status: criteria provided, multiple submitters, no conflicts (2 of 4 stars). 2 submissions from 2 submitters: Uncertain significance (2). Last evaluated 2025-08-03.

Allele frequency attached by ClinVar (database versions not stated): TOPMed below 0.00001; gnomAD 0.00001; gnomAD exomes 0.00001.
gnomAD v4.1: 8 of 1,613,730 alleles (0.0005%); highest among the groups gnomAD compares: South Asian, 0.0011%; no homozygotes.

Submissions (2):

Labcorp Genetics (formerly Invitae), Labcorp
Classification: Uncertain significance. Last evaluated: 2025-08-03. Review status: criteria provided, single submitter. Criteria: Invitae Variant Classification Sherloc (09022015). Collection method: clinical testing. Allele origin: germline.
Comment: This sequence change replaces glutamic acid, which is acidic and polar, with lysine, which is basic and polar, at codon 1425 of the LRP5 protein (p.Glu1425Lys). This variant is present in population databases (no rsID available, gnomAD 0.003%). This variant has not been reported in the literature in individuals affected with LRP5-related conditions. ClinVar contains an entry for this variant (Variation ID: 1309029). Invitae Evidence Modeling of protein sequence and biophysical properties (such as structural, functional, and spatial information, amino acid conservation, physicochemical variation, residue mobility, and thermodynamic stability) indicates that this missense variant is not expected to disrupt LRP5 protein function with a negative predictive value of 95%. Algorithms developed to predict the effect of sequence changes on RNA splicing suggest that this variant may create or strengthen a splice site. In summary, the available evidence is currently insufficient to determine the role of this variant in disease. Therefore, it has been classified as a Variant of Uncertain Significance.

GeneDx
Classification: Uncertain significance. Last evaluated: 2022-05-13. Review status: criteria provided, single submitter. Criteria: GeneDx Variant Classification Process June 2021. Collection method: clinical testing. Allele origin: germline. Affected: yes.
Comment: In silico analysis supports that this missense variant does not alter protein structure/function; Has not been previously published as pathogenic or benign to our knowledge; In silico analysis, which includes splice predictors and evolutionary conservation, suggests this variant may impact gene splicing. In the absence of RNA/functional studies, the actual effect of this sequence change is unknown.

NM_002335.4(LRP5):c.4273G>A (p.Glu1425Lys)

Gene: LRP5 (LDL receptor related protein 5; plus strand). Cytogenetic location: 11q13.2.
Variant type: single nucleotide variant.
Coding change: c.4273G>A on transcript NM_002335.4 (MANE Select); coding-DNA position 4273, G replaced by A.
Protein change: p.Glu1425Lys; replaces glutamic acid 1425 with lysine.
Molecular consequence: missense variant.
Genome position (GRCh38, 1-based): chr11:68,438,607, G>A. VCF-style: chr11-68438607-G-A. GRCh37 (hg19) VCF-style: chr11-68206075-G-A.
Other names: c.2530G>A, p.Glu844Lys (NM_001291902.2); short protein forms E1425K, E844K.
Identifiers: ClinVar variation 1309029 (VCV001309029.7), dbSNP rs1339305831, ClinGen allele CA381615149.